The following is an entry in ClinVar:

NM_000245.4(MET):c.3341-1G>A

Gene: MET (MET proto-oncogene, receptor tyrosine kinase; plus strand). Cytogenetic location: 7q31.2.
Variant type: single nucleotide variant.
Coding change: c.3341-1G>A on transcript NM_000245.4 (MANE Select); the canonical splice acceptor site of the intron before coding-DNA position 3341, G replaced by A.
Molecular consequence: splice acceptor variant.
Genome position (GRCh38, 1-based): chr7:116,778,775, G>A. VCF-style: chr7-116778775-G-A. GRCh37 (hg19) VCF-style: chr7-116418829-G-A.
Other names: c.3395-1G>A (NM_001127500.3, NM_001127500.1); c.2051-1G>A (NM_001324402.2).
Identifiers: ClinVar variation 3709351 (VCV003709351.3).

ClinVar aggregate classification (germline): Uncertain significance. Review status: criteria provided, multiple submitters, no conflicts (2 of 4 stars). 2 submissions from 2 submitters: Uncertain significance (2). Last evaluated 2025-01-27.

Conditions:
Renal cell carcinoma. Identifiers: Orphanet 217071, MedGen C0007134, MeSH D002292, MONDO:0005086, HP:0005584.
Hereditary cancer-predisposing syndrome. Also called: Hereditary neoplastic syndrome; Neoplastic Syndromes, Hereditary; Hereditary Cancer Syndrome; Tumor predisposition. Identifiers: Orphanet 140162, MedGen C0027672, MeSH D009386, MONDO:0015356.

Submissions (2):

Ambry Genetics
Classification: Uncertain significance for Hereditary cancer-predisposing syndrome. Last evaluated: 2025-01-27. Review status: criteria provided, single submitter. Criteria: Ambry Variant Classification Scheme 2023. Collection method: clinical testing. Allele origin: germline.
Comment: The c.3395-1G>A intronic variant results from a G to A substitution one nucleotide before coding exon 16 of the MET gene. This nucleotide position is highly conserved in available vertebrate species. In silico splice site analysis predicts that this alteration will weaken the native splice acceptor site and may result in the creation or strengthening of a novel splice acceptor site. Alterations that disrupt the canonical splice site are expected to cause aberrant splicing, resulting in an abnormal protein or a transcript that is subject to nonsense-mediated mRNA decay. However, loss of function of MET has not been established as a mechanism of disease. Based on the available evidence, the clinical significance of this variant remains unclear.

Labcorp Genetics (formerly Invitae), Labcorp
Classification: Uncertain significance for Renal cell carcinoma. Last evaluated: 2024-11-16. Review status: criteria provided, single submitter. Criteria: Invitae Variant Classification Sherloc (09022015). Collection method: clinical testing. Allele origin: germline.
Comment: This sequence change affects an acceptor splice site in intron 16 of the MET gene. It is expected to disrupt RNA splicing. Variants that disrupt the donor or acceptor splice site typically lead to a loss of protein function (PMID: 16199547), however the current clinical and genetic evidence is not sufficient to establish whether loss-of-function variants in MET cause disease. This variant is not present in population databases (gnomAD no frequency). This variant has not been reported in the literature in individuals affected with MET-related conditions. Algorithms developed to predict the effect of sequence changes on RNA splicing suggest that this variant may disrupt the consensus splice site. In summary, the available evidence is currently insufficient to determine the role of this variant in disease. Therefore, it has been classified as a Variant of Uncertain Significance.

Literature cited by the submitters: PubMed 16199547 (cited by Labcorp Genetics (formerly Invitae), Labcorp).